The following is an entry in ClinVar:

ClinVar aggregate classification (germline): Conflicting classifications of pathogenicity. Review status: criteria provided, conflicting classifications (1 of 4 stars). 7 submissions from 6 submitters: Uncertain significance (2); Benign (2); Likely benign (3). Last evaluated 2026-09-01.

Conditions:
Lethal Kniest-like syndrome (DDSH). Also called: Dyssegmental Dysplasia. Identifiers: Orphanet 1865, MedGen C1857100, MONDO:0009140, OMIM 224410.
Schwartz-Jampel syndrome. Also called: Myotonic myopathy dwarfism chondrodystrophy and ocular and facial abnormalities. Identifiers: Orphanet 800, MedGen C0036391, MONDO:0009717.

Allele frequency attached by ClinVar (database versions not stated): 1000 Genomes Project 0.00060; 1000 Genomes Project 30x 0.00062; gnomAD 0.00078 and 0.00080; TOPMed 0.00088; gnomAD exomes 0.00100; ExAC 0.00102; ESP Exome Variant Server 0.00123.
gnomAD v4.1: 2,394 of 1,614,148 alleles (0.15%); highest among the groups gnomAD compares: Non-Finnish European, 0.18%; 3 homozygotes.

Submissions (7):

CeGaT Center for Human Genetics Tuebingen
Classification: Likely benign. Last evaluated: 2026-09-01. Review status: criteria provided, single submitter. Criteria: CeGaT Center For Human Genetics Tuebingen Variant Classification Criteria Version 2. Collection method: clinical testing. Allele origin: germline. Affected: yes. Observed: 2 variant alleles.
Comment: HSPG2: BP4, BP7

Labcorp Genetics (formerly Invitae), Labcorp
Classification: Benign. Last evaluated: 2025-12-23. Review status: criteria provided, single submitter. Criteria: Invitae Variant Classification Sherloc (09022015). Collection method: clinical testing. Allele origin: germline.

Blueprint Genetics
Classification: Likely benign. Last evaluated: 2024-11-25. Review status: criteria provided, single submitter. Criteria: ACMG Guidelines, 2015. Collection method: clinical testing. Allele origin: germline.

GeneDx
Classification: Benign. Last evaluated: 2020-06-24. Review status: criteria provided, single submitter. Criteria: GeneDx Variant Classification Process June 2021. Collection method: clinical testing. Allele origin: germline. Affected: yes.

Athena Diagnostics
Classification: Likely benign. Last evaluated: 2018-04-09. Review status: criteria provided, single submitter. Criteria: Athena Diagnostics Criteria. Collection method: clinical testing. Allele origin: germline.

Illumina Laboratory Services, Illumina
Classification: Uncertain significance for Lethal Kniest-like syndrome. Last evaluated: 2018-01-13. Review status: criteria provided, single submitter. Criteria: ICSL Variant Classification Criteria 13 December 2019. Collection method: clinical testing. Allele origin: germline.

Illumina Laboratory Services, Illumina
Classification: Uncertain significance for Schwartz-Jampel syndrome type 1. Last evaluated: 2018-01-13. Review status: criteria provided, single submitter. Criteria: ICSL Variant Classification Criteria 13 December 2019. Collection method: clinical testing. Allele origin: germline.

NM_005529.7(HSPG2):c.5433C>T (p.Asn1811=)

Gene: HSPG2 (heparan sulfate proteoglycan 2; minus strand). Cytogenetic location: 1p36.12.
Variant type: single nucleotide variant.
Coding change: c.5433C>T on transcript NM_005529.7 (MANE Select); coding-DNA position 5433, C replaced by T.
Protein change: p.Asn1811=; no amino-acid change (asparagine 1811 retained).
Molecular consequence: synonymous variant.
Genome position (GRCh38, 1-based): chr1:21,857,157, G>A on the plus strand (C>T on the coding strand, the complement: HSPG2 is on the minus strand). VCF-style: chr1-21857157-G-A. GRCh37 (hg19) VCF-style: chr1-22183650-G-A.
Other names: c.5436C>T, p.Asn1812= (NM_001291860.2).
Identifiers: ClinVar variation 295832 (VCV000295832.24), dbSNP rs140134749, ClinGen allele CA671927.